The following is an entry in ClinVar:

NM_018230.3(NUP133):c.3095T>C (p.Ile1032Thr)

Gene: NUP133 (nucleoporin 133; minus strand). Cytogenetic location: 1q42.13.
Variant type: single nucleotide variant.
Coding change: c.3095T>C on transcript NM_018230.3 (MANE Select); coding-DNA position 3095, T replaced by C.
Protein change: p.Ile1032Thr; replaces isoleucine 1032 with threonine.
Molecular consequence: missense variant.
Genome position (GRCh38, 1-based): chr1:229,452,529, A>G on the plus strand (T>C on the coding strand, the complement: NUP133 is on the minus strand). VCF-style: chr1-229452529-A-G. GRCh37 (hg19) VCF-style: chr1-229588276-A-G.
Other names: short protein forms I1032T.
Identifiers: ClinVar variation 1333502 (VCV001333502.1), dbSNP rs1306327701, ClinGen allele CA345144864.

ClinVar aggregate classification (germline): Uncertain significance (1 of 4 stars; one submission).

Conditions:
Nephrotic syndrome, type 18. Identifiers: MedGen C4748549, MONDO:0032581, OMIM 618177.

Allele frequency attached by ClinVar (database versions not stated): gnomAD exomes 0.00001.
gnomAD v4.1: 12 of 1,609,990 alleles (0.00075%); highest among the groups gnomAD compares: African/African-American, 0.0013%; no homozygotes.

Submission:

3billion
Classification: Uncertain significance for Nephrotic syndrome, type 18. Last evaluated: 2022-01-03. Review status: criteria provided, single submitter. Criteria: ACMG Guidelines, 2015. Collection method: clinical testing. Allele origin: germline. Affected: yes. Observed: 1 heterozygote.
Comment: The variant is observed at an extremely low frequency in the gnomAD v2.1.1 dataset (total allele frequency: 0.000008, PM2_M). In silico tool predictions suggest damaging effect of the variant on gene or gene product (REVEL: 0.767, 3CNET: 0.757, PP3_P). A missense variant is a common mechanism associated with Nephrotic syndrome (PP2_P). Therefore, this variant is classified as uncertain significance according to the recommendation of ACMG/AMP guideline.